The following is an entry in ClinVar:

NM_007078.3(LDB3):c.2126T>C (p.Phe709Ser)

Gene: LDB3 (LIM domain binding 3; plus strand). Cytogenetic location: 10q23.2.
Variant type: single nucleotide variant.
Coding change: c.2126T>C on transcript NM_007078.3 (MANE Select); coding-DNA position 2126, T replaced by C.
Protein change: p.Phe709Ser; replaces phenylalanine 709 with serine.
Molecular consequence: missense variant.
Genome position (GRCh38, 1-based): chr10:86,732,918, T>C. VCF-style: chr10-86732918-T-C. GRCh37 (hg19) VCF-style: chr10-88492675-T-C.
Other names: c.1796T>C, p.Phe599Ser (NM_001080114.2); c.2141T>C, p.Phe714Ser (NM_001171610.2); c.1937T>C, p.Phe646Ser (NM_001368064.1, NM_001368065.1); c.1985T>C, p.Phe662Ser (NM_001368066.1); short protein forms F599S, F709S, F646S, F662S, F714S.
Identifiers: ClinVar variation 4097078 (VCV004097078.1).

ClinVar aggregate classification (germline): Uncertain significance (1 of 4 stars; one submission).

Conditions:
Cardiovascular phenotype. Identifiers: MedGen CN230736.

Submission:

Ambry Genetics
Classification: Uncertain significance for Cardiovascular phenotype. Last evaluated: 2025-07-13. Review status: criteria provided, single submitter. Criteria: Ambry Variant Classification Scheme 2023. Collection method: clinical testing. Allele origin: germline.
Comment: The p.F709S variant (also known as c.2126T>C), located in coding exon 13 of the LDB3 gene, results from a T to C substitution at nucleotide position 2126. The phenylalanine at codon 709 is replaced by serine, an amino acid with highly dissimilar properties. This amino acid position is conserved. In addition, this alteration is predicted to be deleterious by in silico analysis. Based on the available evidence, the clinical significance of this variant remains unclear.